The following is an entry in ClinVar:

ClinVar aggregate classification (germline): Uncertain significance. Review status: criteria provided, multiple submitters, no conflicts (2 of 4 stars). 2 submissions from 2 submitters: Uncertain significance (2). Last evaluated 2025-12-22.

Conditions:
Hereditary cancer-predisposing syndrome. Also called: Hereditary Cancer Syndrome; Tumor predisposition; Hereditary neoplastic syndrome; Neoplastic Syndromes, Hereditary. Identifiers: Orphanet 140162, MedGen C0027672, MeSH D009386, MONDO:0015356.
Familial melanoma. Also called: Hereditary melanoma; Hereditary cutaneous melanoma. Identifiers: Orphanet 618, MedGen C1512419, MONDO:0018961.

Submissions (2):

Labcorp Genetics (formerly Invitae), Labcorp
Classification: Uncertain significance for Familial melanoma. Last evaluated: 2025-12-22. Review status: criteria provided, single submitter. Criteria: Invitae Variant Classification Sherloc (09022015). Collection method: clinical testing. Allele origin: germline.
Comment: This sequence change replaces glycine, which is neutral and non-polar, with serine, which is neutral and polar, at codon 48 of the CDK4 protein (p.Gly48Ser). This variant is not present in population databases (gnomAD no frequency). This variant has not been reported in the literature in individuals affected with CDK4-related conditions. ClinVar contains an entry for this variant (Variation ID: 645846). Invitae Evidence Modeling of protein sequence and biophysical properties (such as structural, functional, and spatial information, amino acid conservation, physicochemical variation, residue mobility, and thermodynamic stability) indicates that this missense variant is expected to disrupt CDK4 protein function with a positive predictive value of 95%. In summary, the available evidence is currently insufficient to determine the role of this variant in disease. Therefore, it has been classified as a Variant of Uncertain Significance.

Ambry Genetics
Classification: Uncertain significance for Hereditary cancer-predisposing syndrome. Last evaluated: 2024-10-31. Review status: criteria provided, single submitter. Criteria: Ambry Variant Classification Scheme 2023. Collection method: clinical testing. Allele origin: germline.
Comment: The p.G48S variant (also known as c.142G>A), located in coding exon 1 of the CDK4 gene, results from a G to A substitution at nucleotide position 142. The glycine at codon 48 is replaced by serine, an amino acid with similar properties. This amino acid position is highly conserved in available vertebrate species. In addition, this alteration is predicted to be tolerated by in silico analysis.Based on the available evidence, the clinical significance of this variant remains unclear.

NM_000075.4(CDK4):c.142G>A (p.Gly48Ser)

Genes: CDK4 (cyclin dependent kinase 4; minus strand), LOC130008148 (ATAC-STARR-seq lymphoblastoid silent region 4588; plus strand). Cytogenetic location: 12q14.1.
Variant type: single nucleotide variant.
Coding change: c.142G>A on transcript NM_000075.4 (MANE Select); coding-DNA position 142, G replaced by A.
Protein change: p.Gly48Ser; replaces glycine 48 with serine.
Molecular consequence: missense variant.
Genome position (GRCh38, 1-based): chr12:57,751,576, C>T on the plus strand (G>A on the coding strand, the complement: CDK4 is on the minus strand). VCF-style: chr12-57751576-C-T. GRCh37 (hg19) VCF-style: chr12-58145359-C-T.
Other names: short protein forms G48S.
Identifiers: ClinVar variation 645846 (VCV000645846.16), dbSNP rs1595111053, ClinGen allele CA385548717.